The following is an entry in ClinVar:

ClinVar aggregate classification (germline): Benign/Likely benign. Review status: criteria provided, multiple submitters, no conflicts (2 of 4 stars). 3 submissions from 2 submitters: Benign (1); Likely benign (2). Last evaluated 2018-01-13.

Conditions:
Leigh syndrome (NULS). Also called: Leigh's syndrome; Leigh Syndrome (mtDNA deletion); Leigh Disease; Leigh's necrotizing encephalopathy; Leigh's disease; Subacute necrotizing encephalopathy. Identifiers: Orphanet 506, MedGen C2931891, MONDO:0009723, OMIM 256000.
Mitochondrial complex I deficiency, nuclear type 1. Also called: NADH-COENZYME Q REDUCTASE DEFICIENCY; MITOCHONDRIAL NADH DEHYDROGENASE COMPONENT OF COMPLEX I, DEFICIENCY OF. Identifiers: MedGen C6022305, MONDO:0100224, OMIM 252010.

Allele frequency attached by ClinVar (database versions not stated): 1000 Genomes Project 0.02915; 1000 Genomes Project 30x 0.02998; gnomAD 0.03556 and 0.03737; TOPMed 0.03778.

Submissions (3):

Illumina Laboratory Services, Illumina
Classification: Likely benign for Mitochondrial complex I deficiency, nuclear type 1. Last evaluated: 2018-01-13. Review status: criteria provided, single submitter. Criteria: ICSL Variant Classification Criteria 13 December 2019. Collection method: clinical testing. Allele origin: germline.
Comment: This variant was observed in the ICSL laboratory as part of a predisposition screen in an ostensibly healthy population. It had not been previously curated by ICSL or reported in the Human Gene Mutation Database (HGMD: prior to June 1st, 2018), and was therefore a candidate for classification through an automated scoring system. Utilizing variant allele frequency, disease prevalence and penetrance estimates, and inheritance mode, an automated score was calculated to assess if this variant is too frequent to cause the disease. Based on the score and internal cut-off values, a variant classified as likely benign is not then subjected to further curation. The score for this variant resulted in a classification of likely benign for this disease.

Illumina Laboratory Services, Illumina
Classification: Benign for Leigh syndrome. Last evaluated: 2018-01-13. Review status: criteria provided, single submitter. Criteria: ICSL Variant Classification Criteria 13 December 2019. Collection method: clinical testing. Allele origin: germline.
Comment: This variant was observed in the ICSL laboratory as part of a predisposition screen in an ostensibly healthy population. It had not been previously curated by ICSL or reported in the Human Gene Mutation Database (HGMD: prior to June 1st, 2018), and was therefore a candidate for classification through an automated scoring system. Utilizing variant allele frequency, disease prevalence and penetrance estimates, and inheritance mode, an automated score was calculated to assess if this variant is too frequent to cause the disease. Based on the score and internal cut-off values, a variant classified as benign is not then subjected to further curation. The score for this variant resulted in a classification of benign for this disease.

Breakthrough Genomics
Classification: Likely benign. Review status: criteria provided, single submitter. Criteria: ACMG Guidelines, 2015. Collection method: not provided. Allele origin: germline. Inheritance: Autosomal recessive inheritance. Affected: yes.

NM_004544.4(NDUFA10):c.*3075T>G

Gene: NDUFA10 (NADH:ubiquinone oxidoreductase subunit A10; minus strand). Cytogenetic location: 2q37.3.
Variant type: single nucleotide variant.
Coding change: c.*3075T>G on transcript NM_004544.4 (MANE Select); 3075 bases downstream of the stop codon, T replaced by G.
Molecular consequence: 3 prime UTR variant. On other transcripts: non-coding transcript variant (3).
Genome position (GRCh38, 1-based): chr2:239,958,043, A>C on the plus strand (T>G on the coding strand, the complement: NDUFA10 is on the minus strand). VCF-style: chr2-239958043-A-C. GRCh37 (hg19) VCF-style: chr2-240897460-A-C.
Other names: c.*3080T>G (NM_001322020.2).
Identifiers: ClinVar variation 335160 (VCV000335160.6), dbSNP rs7588974, ClinGen allele CA10614905.